The following is an entry in ClinVar:

NM_020988.3(GNAO1):c.723+4024A>G

Gene: GNAO1 (G protein subunit alpha o1; plus strand). Cytogenetic location: 16q13.
Variant type: single nucleotide variant.
Coding change: c.723+4024A>G on transcript NM_020988.3 (MANE Select); 4024 bases into the intron after coding-DNA position 723, A replaced by G.
Molecular consequence: intron variant. On other transcripts: synonymous variant (1).
Genome position (GRCh38, 1-based): chr16:56,340,884, A>G. VCF-style: chr16-56340884-A-G. GRCh37 (hg19) VCF-style: chr16-56374796-A-G.
Other names: c.774A>G, p.Lys258= (NM_138736.3).
Identifiers: ClinVar variation 4821051 (VCV004821051.4).

ClinVar aggregate classification (germline): Likely benign (1 of 4 stars; one submission).

gnomAD v4.1: 3 of 1,613,866 alleles (0.00019%); highest among the groups gnomAD compares: Non-Finnish European, 0.00025%; no homozygotes.

Submission:

CeGaT Center for Human Genetics Tuebingen
Classification: Likely benign. Last evaluated: 2026-03-01. Review status: criteria provided, single submitter. Criteria: CeGaT Center For Human Genetics Tuebingen Variant Classification Criteria Version 2. Collection method: clinical testing. Allele origin: germline. Affected: yes. Observed: 1 variant allele.
Comment: GNAO1: BP4, BP7